The following is an entry in ClinVar:

ClinVar aggregate classification (germline): Uncertain significance (1 of 4 stars; one submission).

Submission:

Labcorp Genetics (formerly Invitae), Labcorp
Classification: Uncertain significance. Last evaluated: 2023-09-22. Review status: criteria provided, single submitter. Criteria: Invitae Variant Classification Sherloc (09022015). Collection method: clinical testing. Allele origin: germline.
Comment: This variant has not been reported in the literature in individuals affected with A2ML1-related conditions. This variant is not present in population databases (gnomAD no frequency). This sequence change falls in intron 18 of the A2ML1 gene. It does not directly change the encoded amino acid sequence of the A2ML1 protein. It affects a nucleotide within the consensus splice site. In summary, the available evidence is currently insufficient to determine the role of this variant in disease. Therefore, it has been classified as a Variant of Uncertain Significance. Variants that disrupt the consensus splice site are a relatively common cause of aberrant splicing (PMID: 17576681, 9536098). Algorithms developed to predict the effect of sequence changes on RNA splicing suggest that this variant may disrupt the consensus splice site.

Literature cited by the submitters: PubMed 17576681; PubMed 9536098.

NM_144670.6(A2ML1):c.2234+5G>T

Gene: A2ML1 (alpha-2-macroglobulin like 1; plus strand). Cytogenetic location: 12p13.31.
Variant type: single nucleotide variant.
Coding change: c.2234+5G>T on transcript NM_144670.6 (MANE Select); 5 bases into the intron after coding-DNA position 2234, G replaced by T.
Molecular consequence: intron variant.
Genome position (GRCh38, 1-based): chr12:8,850,279, G>T. VCF-style: chr12-8850279-G-T. GRCh37 (hg19) VCF-style: chr12-9002875-G-T.
Other names: c.761+5G>T (NM_001282424.3).
Identifiers: ClinVar variation 2762743 (VCV002762743.3), dbSNP rs751822035, ClinGen allele CA2697559096.